The following is an entry in ClinVar:

NM_138576.4(BCL11B):c.808G>A (p.Gly270Arg)

Gene: BCL11B (BCL11 transcription factor B; minus strand). Cytogenetic location: 14q32.2.
Variant type: single nucleotide variant.
Coding change: c.808G>A on transcript NM_138576.4 (MANE Select); coding-DNA position 808, G replaced by A.
Protein change: p.Gly270Arg; replaces glycine 270 with arginine.
Molecular consequence: missense variant.
Genome position (GRCh38, 1-based): chr14:99,176,028, C>T on the plus strand (G>A on the coding strand, the complement: BCL11B is on the minus strand). VCF-style: chr14-99176028-C-T. GRCh37 (hg19) VCF-style: chr14-99642365-C-T.
Other names: c.805G>A, p.Gly269Arg (NM_001282237.2); c.592G>A, p.Gly198Arg (NM_001282238.2); c.595G>A, p.Gly199Arg (NM_022898.3); short protein forms G198R, G199R, G269R, G270R.
Identifiers: ClinVar variation 3766344 (VCV003766344.1).

ClinVar aggregate classification (germline): Uncertain significance (1 of 4 stars; one submission).

gnomAD v4.1: 4 of 1,579,288 alleles (0.00025%); highest among the groups gnomAD compares: African/African-American, 0.0014%; no homozygotes.

Submission:

GeneDx
Classification: Uncertain significance. Last evaluated: 2024-08-28. Review status: criteria provided, single submitter. Criteria: GeneDx Variant Classification Process June 2021. Collection method: clinical testing. Allele origin: germline. Affected: yes.
Comment: Not observed at significant frequency in large population cohorts (gnomAD); In silico analysis supports that this missense variant has a deleterious effect on protein structure/function; Has not been previously published as pathogenic or benign to our knowledge